The following is an entry in ClinVar:

ClinVar aggregate classification (germline): Benign/Likely benign. Review status: criteria provided, multiple submitters, no conflicts (2 of 4 stars). 6 submissions from 6 submitters: Benign (4); Likely benign (2). Last evaluated 2025-12-25.

Conditions:
COG8-congenital disorder of glycosylation. Also called: CDG IIh; COG8-CDG. Identifiers: Orphanet 95428, MedGen C1970021, MONDO:0012635, OMIM 611182.

Allele frequency attached by ClinVar (database versions not stated): gnomAD exomes 0.00109 and 0.00282; ExAC 0.00352; gnomAD 0.01121 and 0.01202; 1000 Genomes Project 30x 0.01156; 1000 Genomes Project 0.01218; TOPMed 0.01306; ESP Exome Variant Server 0.01331.
gnomAD v4.1: 3,352 of 1,613,926 alleles (0.21%); highest among the groups gnomAD compares: African/African-American, 4.1%; 73 homozygotes.

Submissions (6):

Labcorp Genetics (formerly Invitae), Labcorp
Classification: Benign for COG8-congenital disorder of glycosylation. Last evaluated: 2025-12-25. Review status: criteria provided, single submitter. Criteria: Invitae Variant Classification Sherloc (09022015). Collection method: clinical testing. Allele origin: germline.

Mayo Clinic Laboratories, Mayo Clinic
Classification: Benign. Last evaluated: 2018-12-10. Review status: criteria provided, single submitter. Criteria: ACMG Guidelines, 2015. Collection method: clinical testing. Allele origin: germline. Observed: 11 variant alleles.

Illumina Laboratory Services, Illumina
Classification: Benign for COG8-congenital disorder of glycosylation. Last evaluated: 2018-01-12. Review status: criteria provided, single submitter. Criteria: ICSL Variant Classification Criteria 13 December 2019. Collection method: clinical testing. Allele origin: germline.
Comment: This variant was observed in the ICSL laboratory as part of a predisposition screen in an ostensibly healthy population. It had not been previously curated by ICSL or reported in the Human Gene Mutation Database (HGMD: prior to June 1st, 2018), and was therefore a candidate for classification through an automated scoring system. Utilizing variant allele frequency, disease prevalence and penetrance estimates, and inheritance mode, an automated score was calculated to assess if this variant is too frequent to cause the disease. Based on the score and internal cut-off values, a variant classified as benign is not then subjected to further curation. The score for this variant resulted in a classification of benign for this disease.

GeneDx
Classification: Benign. Last evaluated: 2016-02-16. Review status: criteria provided, single submitter. Criteria: GeneDx Variant Classification (06012015). Collection method: clinical testing. Allele origin: germline. Affected: yes.
Comment: This variant is considered likely benign or benign based on one or more of the following criteria: it is a conservative change, it occurs at a poorly conserved position in the protein, it is predicted to be benign by multiple in silico algorithms, and/or has population frequency not consistent with disease.

Center for Pediatric Genomic Medicine, Children's Mercy Hospital and Clinics
Classification: Likely benign. Last evaluated: 2015-08-19. Review status: criteria provided, single submitter. Criteria: ACMG Guidelines, 2015. Collection method: clinical testing. Allele origin: germline.
ClinVar note: Converted during submission from Likely Benign to Likely benign.

Breakthrough Genomics
Classification: Likely benign. Review status: criteria provided, single submitter. Criteria: ACMG Guidelines, 2015. Collection method: not provided. Allele origin: germline. Inheritance: Unknown mechanism. Affected: yes.

NM_032382.5(COG8):c.1591C>T (p.Pro531Ser)

Gene: COG8 (component of oligomeric golgi complex 8; minus strand). Cytogenetic location: 16q22.1.
Variant type: single nucleotide variant.
Coding change: c.1591C>T on transcript NM_032382.5 (MANE Select); coding-DNA position 1591, C replaced by T.
Protein change: p.Pro531Ser; replaces proline 531 with serine.
Molecular consequence: missense variant. On other transcripts: intron variant (2).
Genome position (GRCh38, 1-based): chr16:69,331,087, G>A on the plus strand (C>T on the coding strand, the complement: COG8 is on the minus strand). VCF-style: chr16-69331087-G-A. GRCh37 (hg19) VCF-style: chr16-69364990-G-A.
Other names: p.Pro531Ser; c.1732C>T, p.Pro578Ser (NM_001379261.1); c.1591C>T, p.Pro531Ser (NM_001379262.1, NM_001379264.1); c.1630C>T, p.Pro544Ser (NM_001379263.1); c.1414-1908C>T (NM_001379266.1); c.1582+1627C>T (NM_001379265.1); short protein forms P531S, P544S, P578S.
Identifiers: ClinVar variation 235232 (VCV000235232.18), dbSNP rs76253513, ClinGen allele CA8133644.